The following is an entry in ClinVar:

ClinVar aggregate classification (germline): Likely pathogenic (1 of 4 stars; one submission).

Conditions:
Kleefstra syndrome 2 (KLEFS2). Identifiers: MedGen C4540395, MONDO:0054701, OMIM 617768.

Submission:

Institute of Human Genetics, University of Leipzig Medical Center
Classification: Likely pathogenic for Kleefstra syndrome 2. Last evaluated: 2024-02-27. Review status: criteria provided, single submitter. Criteria: ACMG Guidelines, 2015. Collection method: clinical testing. Allele origin: unknown. Inheritance: Autosomal dominant inheritance. Affected: yes.
Comment: Criteria applied: PVS1,PM2_SUP

NM_170606.3(KMT2C):c.749G>A (p.Trp250Ter)

Gene: KMT2C (lysine methyltransferase 2C; minus strand). Cytogenetic location: 7q36.1.
Variant type: single nucleotide variant.
Coding change: c.749G>A on transcript NM_170606.3 (MANE Select); coding-DNA position 749, G replaced by A.
Protein change: p.Trp250Ter; replaces tryptophan 250 with a stop codon.
Molecular consequence: nonsense.
Genome position (GRCh38, 1-based): chr7:152,310,066, C>T on the plus strand (G>A on the coding strand, the complement: KMT2C is on the minus strand). VCF-style: chr7-152310066-C-T. GRCh37 (hg19) VCF-style: chr7-152007151-C-T.
Other names: short protein forms W250*.
Identifiers: ClinVar variation 3024535 (VCV003024535.2), dbSNP rs2486102657, ClinGen allele CA370196431.